The following is an entry in ClinVar:

ClinVar aggregate classification (germline): Likely benign. Review status: criteria provided, multiple submitters, no conflicts (2 of 4 stars). 2 submissions from 2 submitters: Likely benign (2). Last evaluated 2025-07-01.

Allele frequency attached by ClinVar (database versions not stated): gnomAD 0.00023; TOPMed 0.00024; ESP Exome Variant Server 0.00042.
gnomAD v4.1: 336 of 1,613,864 alleles (0.021%); highest among the groups gnomAD compares: African/African-American, 0.029%; 1 homozygote.

Submissions (2):

CeGaT Center for Human Genetics Tuebingen
Classification: Likely benign. Last evaluated: 2025-07-01. Review status: criteria provided, single submitter. Criteria: CeGaT Center For Human Genetics Tuebingen Variant Classification Criteria Version 2. Collection method: clinical testing. Allele origin: germline. Affected: yes. Observed: 1 variant allele.
Comment: MGA: BP4, BS2

Ambry Genetics
Classification: Likely benign. Last evaluated: 2021-11-09. Review status: criteria provided, single submitter. Criteria: Ambry Variant Classification Scheme 2023. Collection method: clinical testing. Allele origin: germline.

NM_001400225.1(MGA):c.1501A>G (p.Met501Val)

Gene: MGA (MAX dimerization protein MGA; plus strand). Cytogenetic location: 15q15.1.
Variant type: single nucleotide variant.
Coding change: c.1501A>G on transcript NM_001400225.1 (MANE Select); coding-DNA position 1501, A replaced by G.
Protein change: p.Met501Val; replaces methionine 501 with valine.
Molecular consequence: missense variant.
Genome position (GRCh38, 1-based): chr15:41,696,511, A>G. VCF-style: chr15-41696511-A-G. GRCh37 (hg19) VCF-style: chr15-41988709-A-G.
Other names: c.1501A>G, p.Met501Val (NM_001080541.3, NM_001164273.2, NM_001400242.1); short protein forms M501V.
Identifiers: ClinVar variation 2346697 (VCV002346697.11), dbSNP rs199666635, ClinGen allele CA7495807.
Genomic context (GRCh38, chr15:41,696,511, plus strand): 5'-GTTAAGATTTCTGAACTCCCCGATAACATGCTTTCCACATCTCGAAAGGATAAATCTTCT[A>G]TGTTGGCAGAATTGGAATATTTGCCTACATACATTGAAAATTCCAATGAGACTGCCTTCT-3'
Protein context (NP_001387154.1, residues 491-511): LSTSRKDKSS[Met501Val]LAELEYLPTY